The following is an entry in ClinVar:

ClinVar aggregate classification (germline): Uncertain significance. Review status: criteria provided, multiple submitters, no conflicts (2 of 4 stars). 2 submissions from 2 submitters: Uncertain significance (2). Last evaluated 2024-12-12.

Conditions:
Intellectual disability, autosomal recessive 53 (NEDHSCA). Also called: NEURODEVELOPMENTAL DISORDER WITH OR WITHOUT HYPOTONIA, SEIZURES, AND CEREBELLAR ATROPHY; GLYCOSYLPHOSPHATIDYLINOSITOL BIOSYNTHESIS DEFECT 13; Mental retardation, autosomal recessive 53. Identifiers: Orphanet 488635, MedGen C4310794, MONDO:0014832, OMIM 616917.
Inborn genetic diseases. Identifiers: MedGen C0950123, MeSH D030342.

Allele frequency attached by ClinVar (database versions not stated): gnomAD exomes below 0.00001.
gnomAD v4.1: 3 of 1,611,802 alleles (0.00019%); highest among the groups gnomAD compares: African/African-American, 0.0013%; no homozygotes.

Submissions (2):

Ambry Genetics
Classification: Uncertain significance for Inborn genetic diseases. Last evaluated: 2024-12-12. Review status: criteria provided, single submitter. Criteria: Ambry Variant Classification Scheme 2023. Collection method: clinical testing. Allele origin: germline.

Labcorp Genetics (formerly Invitae), Labcorp
Classification: Uncertain significance for Intellectual disability, autosomal recessive 53. Last evaluated: 2022-04-04. Review status: criteria provided, single submitter. Criteria: Invitae Variant Classification Sherloc (09022015). Collection method: clinical testing. Allele origin: germline.
Comment: In summary, the available evidence is currently insufficient to determine the role of this variant in disease. Therefore, it has been classified as a Variant of Uncertain Significance. Algorithms developed to predict the effect of missense changes on protein structure and function are either unavailable or do not agree on the potential impact of this missense change (SIFT: "Deleterious"; PolyPhen-2: "Probably Damaging"; Align-GVGD: "Class C0"). This variant has not been reported in the literature in individuals affected with PIGG-related conditions. This variant is present in population databases (no rsID available, gnomAD 0.0009%). This sequence change replaces histidine, which is basic and polar, with arginine, which is basic and polar, at codon 944 of the PIGG protein (p.His944Arg).

NM_001127178.3(PIGG):c.2831A>G (p.His944Arg)

Gene: PIGG (phosphatidylinositol glycan anchor biosynthesis class G (EMM blood group); plus strand). Cytogenetic location: 4p16.3.
Variant type: single nucleotide variant.
Coding change: c.2831A>G on transcript NM_001127178.3 (MANE Select); coding-DNA position 2831, A replaced by G.
Protein change: p.His944Arg; replaces histidine 944 with arginine.
Molecular consequence: missense variant. On other transcripts: non-coding transcript variant (10).
Genome position (GRCh38, 1-based): chr4:539,248, A>G. VCF-style: chr4-539248-A-G. GRCh37 (hg19) VCF-style: chr4-533037-A-G.
Other names: c.2564A>G, p.His855Arg (NM_001289051.2, NM_001345986.2); c.2432A>G, p.His811Arg (NM_001289052.2); c.2540A>G, p.His847Arg (NM_001345987.2); c.1802A>G, p.His601Arg (NM_001345988.2); c.1298A>G, p.His433Arg (NM_001345990.2, NM_001345991.2); c.1733A>G, p.His578Arg (NM_001345994.2); c.2807A>G, p.His936Arg (NM_017733.5); c.2831A>G (NM_001127178.1); short protein forms H578R, H601R, H847R, H936R, H944R, H433R, H855R, H811R.
Identifiers: ClinVar variation 2068168 (VCV002068168.3), dbSNP rs1362966462, ClinGen allele CA355913544.